The following is an entry in ClinVar:

ClinVar aggregate classification (germline): Uncertain significance (1 of 4 stars; one submission).

Conditions:
ALG9 congenital disorder of glycosylation (CDG1L). Also called: CONGENITAL DISORDER OF GLYCOSYLATION, TYPE Il; CDG Il; ALG9-CDG. Identifiers: Orphanet 79328, MedGen C2931006, MONDO:0012117, OMIM 608776.

Allele frequency attached by ClinVar (database versions not stated): ExAC 0.00001; gnomAD 0.00001; gnomAD exomes 0.00001; ESP Exome Variant Server 0.00008.
gnomAD v4.1: 8 of 1,613,960 alleles (0.0005%); highest among the groups gnomAD compares: South Asian, 0.0011%; no homozygotes.

Submission:

Labcorp Genetics (formerly Invitae), Labcorp
Classification: Uncertain significance for ALG9 congenital disorder of glycosylation. Last evaluated: 2021-07-17. Review status: criteria provided, single submitter. Criteria: Invitae Variant Classification Sherloc (09022015). Collection method: clinical testing. Allele origin: germline.
Comment: This variant has not been reported in the literature in individuals affected with ATP6V0A2-related conditions. Algorithms developed to predict the effect of missense changes on protein structure and function are either unavailable or do not agree on the potential impact of this missense change (SIFT: "Deleterious"; PolyPhen-2: "Probably Damaging"; Align-GVGD: "Class C0"). In summary, the available evidence is currently insufficient to determine the role of this variant in disease. Therefore, it has been classified as a Variant of Uncertain Significance. This variant is present in population databases (rs147833091, ExAC 0.001%). This sequence change replaces proline with alanine at codon 367 of the ATP6V0A2 protein (p.Pro367Ala). The proline residue is highly conserved and there is a small physicochemical difference between proline and alanine.

NM_012463.4(ATP6V0A2):c.1099C>G (p.Pro367Ala)

Gene: ATP6V0A2 (ATPase H+ transporting V0 subunit a2; plus strand). Cytogenetic location: 12q24.31.
Variant type: single nucleotide variant.
Coding change: c.1099C>G on transcript NM_012463.4 (MANE Select); coding-DNA position 1099, C replaced by G.
Protein change: p.Pro367Ala; replaces proline 367 with alanine.
Molecular consequence: missense variant.
Genome position (GRCh38, 1-based): chr12:123,743,845, C>G. VCF-style: chr12-123743845-C-G. GRCh37 (hg19) VCF-style: chr12-124228392-C-G.
Other names: short protein forms P367A.
Identifiers: ClinVar variation 1439038 (VCV001439038.8), dbSNP rs147833091, ClinGen allele CA6861840.